The following is an entry in ClinVar:

NM_001012426.2(FOXP4):c.882C>T (p.His294=)

Gene: FOXP4 (forkhead box P4; plus strand). Cytogenetic location: 6p21.1.
Variant type: single nucleotide variant.
Coding change: c.882C>T on transcript NM_001012426.2 (MANE Select); coding-DNA position 882, C replaced by T.
Protein change: p.His294=; no amino-acid change (histidine 294 retained).
Molecular consequence: synonymous variant.
Genome position (GRCh38, 1-based): chr6:41,587,802, C>T. VCF-style: chr6-41587802-C-T. GRCh37 (hg19) VCF-style: chr6-41555540-C-T.
Other names: c.876C>T, p.His292= (NM_001012427.2); c.882C>T, p.His294= (NM_001405824.1); c.786C>T, p.His262= (NM_001405825.1, NM_001405826.1); c.879C>T, p.His293= (NM_138457.3).
Identifiers: ClinVar variation 4533640 (VCV004533640.6).

ClinVar aggregate classification (germline): Likely benign (1 of 4 stars; one submission).

gnomAD v4.1: 73 of 1,561,712 alleles (0.0047%); highest among the groups gnomAD compares: Admixed American, 0.037%; no homozygotes.

Submission:

CeGaT Center for Human Genetics Tuebingen
Classification: Likely benign. Last evaluated: 2025-10-01. Review status: criteria provided, single submitter. Criteria: CeGaT Center For Human Genetics Tuebingen Variant Classification Criteria Version 2. Collection method: clinical testing. Allele origin: germline. Affected: yes. Observed: 1 variant allele.
Comment: FOXP4: BP4, BP7